The following is an entry in ClinVar:

NM_001127222.2(CACNA1A):c.3823G>C (p.Val1275Leu)

Gene: CACNA1A (calcium voltage-gated channel subunit alpha1 A; minus strand). Cytogenetic location: 19p13.13.
Variant type: single nucleotide variant.
Coding change: c.3823G>C on transcript NM_001127222.2 (MANE Select); coding-DNA position 3823, G replaced by C.
Protein change: p.Val1275Leu; replaces valine 1275 with leucine.
Molecular consequence: missense variant.
Genome position (GRCh38, 1-based): chr19:13,277,128, C>G on the plus strand (G>C on the coding strand, the complement: CACNA1A is on the minus strand). VCF-style: chr19-13277128-C-G. GRCh37 (hg19) VCF-style: chr19-13387942-C-G.
Other names: c.3835G>C, p.Val1279Leu (NM_000068.4, NM_023035.3); c.3826G>C, p.Val1276Leu (NM_001127221.2, NM_001174080.2); short protein forms V1275L, V1276L, V1279L.
Identifiers: ClinVar variation 940249 (VCV000940249.12), dbSNP rs995835535, ClinGen allele CA305557697.

ClinVar aggregate classification (germline): Uncertain significance. Review status: criteria provided, multiple submitters, no conflicts (2 of 4 stars). 3 submissions from 3 submitters: Uncertain significance (3). Last evaluated 2025-04-08.

Conditions:
Developmental and epileptic encephalopathy, 42 (DEE42A). Also called: DEVELOPMENTAL AND EPILEPTIC ENCEPHALOPATHY 42A; EPILEPTIC ENCEPHALOPATHY, EARLY INFANTILE, 42A; Epileptic encephalopathy, early infantile, 42. Identifiers: MedGen C4310716, MONDO:0014917, OMIM 617106.
Episodic ataxia type 2 (EA2). Also called: CEREBELLAR ATAXIA, PAROXYSMAL, ACETAZOLAMIDE-RESPONSIVE; CEREBELLOPATHY, HEREDITARY PAROXYSMAL; EPISODIC ATAXIA, NYSTAGMUS-ASSOCIATED; ACETAZOLAMIDE-RESPONSIVE HEREDITARY PAROXYSMAL CEREBELLAR ATAXIA; ATAXIA, EPISODIC, WITH NYSTAGMUS; ATAXIA, FAMILIAL PAROXYSMAL. Identifiers: Orphanet 97, MedGen C1720416, MONDO:0007163, OMIM 108500.
Inborn genetic diseases. Identifiers: MedGen C0950123, MeSH D030342.

Allele frequency attached by ClinVar (database versions not stated): TOPMed below 0.00001.

Submissions (3):

GeneDx
Classification: Uncertain significance. Last evaluated: 2025-04-08. Review status: criteria provided, single submitter. Criteria: GeneDx Variant Classification Process June 2021. Collection method: clinical testing. Allele origin: germline. Affected: yes.
Comment: Not observed at significant frequency in large population cohorts (gnomAD); In silico analysis supports that this missense variant has a deleterious effect on protein structure/function; Has not been previously published as pathogenic or benign to our knowledge

Ambry Genetics
Classification: Uncertain significance for Inborn genetic diseases. Last evaluated: 2024-05-28. Review status: criteria provided, single submitter. Criteria: Ambry Variant Classification Scheme 2023. Collection method: clinical testing. Allele origin: germline.

Labcorp Genetics (formerly Invitae), Labcorp
Classification: Uncertain significance for Developmental and epileptic encephalopathy, 42; Episodic ataxia type 2. Last evaluated: 2019-06-25. Review status: criteria provided, single submitter. Criteria: Invitae Variant Classification Sherloc (09022015). Collection method: clinical testing. Allele origin: germline.
Comment: In summary, the available evidence is currently insufficient to determine the role of this variant in disease. Therefore, it has been classified as a Variant of Uncertain Significance. Algorithms developed to predict the effect of missense changes on protein structure and function are either unavailable or do not agree on the potential impact of this missense change (SIFT: "Deleterious"; PolyPhen-2: "Probably Damaging"; Align-GVGD: "Class C0"). This variant has not been reported in the literature in individuals with CACNA1A-related conditions. This variant is not present in population databases (ExAC no frequency). This sequence change replaces valine with leucine at codon 1276 of the CACNA1A protein (p.Val1276Leu). The valine residue is highly conserved and there is a small physicochemical difference between valine and leucine.